The following is an entry in ClinVar:

ClinVar aggregate classification (germline): Uncertain significance (1 of 4 stars; one submission).

Conditions:
Early-infantile DEE. Also called: Early infantile epileptic encephalopathy; Ohtahara syndrome; Early infantile epileptic encephalopathy with suppression bursts. Identifiers: Orphanet 1934, MedGen C0393706, MONDO:0800491.

gnomAD v4.1: 1 of 1,567,630 alleles (0.000064%); highest among the groups gnomAD compares: African/African-American, 0.0014%; no homozygotes.

Submission:

Labcorp Genetics (formerly Invitae), Labcorp
Classification: Uncertain significance for Early-infantile DEE. Last evaluated: 2024-02-24. Review status: criteria provided, single submitter. Criteria: Invitae Variant Classification Sherloc (09022015). Collection method: clinical testing. Allele origin: germline.
Comment: This sequence change replaces isoleucine, which is neutral and non-polar, with methionine, which is neutral and non-polar, at codon 61 of the ARHGEF15 protein (p.Ile61Met). This variant is not present in population databases (gnomAD no frequency). This variant has not been reported in the literature in individuals affected with ARHGEF15-related conditions. ClinVar contains an entry for this variant (Variation ID: 958875). Algorithms developed to predict the effect of missense changes on protein structure and function output the following: SIFT: "Not Available"; PolyPhen-2: "Benign"; Align-GVGD: "Not Available". The methionine amino acid residue is found in multiple mammalian species, which suggests that this missense change does not adversely affect protein function. In summary, the available evidence is currently insufficient to determine the role of this variant in disease. Therefore, it has been classified as a Variant of Uncertain Significance.

NM_173728.4(ARHGEF15):c.183C>G (p.Ile61Met)

Gene: ARHGEF15 (Rho guanine nucleotide exchange factor 15; plus strand). Cytogenetic location: 17p13.1.
Variant type: single nucleotide variant.
Coding change: c.183C>G on transcript NM_173728.4 (MANE Select); coding-DNA position 183, C replaced by G.
Protein change: p.Ile61Met; replaces isoleucine 61 with methionine.
Molecular consequence: missense variant.
Genome position (GRCh38, 1-based): chr17:8,312,222, C>G. VCF-style: chr17-8312222-C-G. GRCh37 (hg19) VCF-style: chr17-8215540-C-G.
Other names: c.183C>G, p.Ile61Met (NM_025014.2); short protein forms I61M.
Identifiers: ClinVar variation 958875 (VCV000958875.10), dbSNP rs542926076, ClinGen allele CA398013641.